The following is an entry in ClinVar:

NM_001429.4(EP300):c.1996C>T (p.Pro666Ser)

Gene: EP300 (EP300 lysine acetyltransferase; plus strand). Cytogenetic location: 22q13.2.
Variant type: single nucleotide variant.
Coding change: c.1996C>T on transcript NM_001429.4 (MANE Select); coding-DNA position 1996, C replaced by T.
Protein change: p.Pro666Ser; replaces proline 666 with serine.
Molecular consequence: missense variant.
Genome position (GRCh38, 1-based): chr22:41,141,165, C>T. VCF-style: chr22-41141165-C-T. GRCh37 (hg19) VCF-style: chr22-41537169-C-T.
Other names: c.1996C>T, p.Pro666Ser (NM_001362843.2); short protein forms P666S.
Identifiers: ClinVar variation 2111529 (VCV002111529.4), dbSNP rs2145726264, ClinGen allele CA411688376.

ClinVar aggregate classification (germline): Uncertain significance (1 of 4 stars; one submission).

Conditions:
Rubinstein-Taybi syndrome due to EP300 haploinsufficiency. Also called: EP300-Related Rubinstein-Taybi Syndrome; RUBINSTEIN-TAYBI SYNDROME 2. Identifiers: Orphanet 353284, Orphanet 783, MedGen C3150941, MONDO:0013364, OMIM 613684.

Submission:

Labcorp Genetics (formerly Invitae), Labcorp
Classification: Uncertain significance for Rubinstein-Taybi syndrome due to EP300 haploinsufficiency. Last evaluated: 2023-08-04. Review status: criteria provided, single submitter. Criteria: Invitae Variant Classification Sherloc (09022015). Collection method: clinical testing. Allele origin: germline.
Comment: This sequence change replaces proline, which is neutral and non-polar, with serine, which is neutral and polar, at codon 666 of the EP300 protein (p.Pro666Ser). This variant is not present in population databases (gnomAD no frequency). This variant has not been reported in the literature in individuals affected with EP300-related conditions. ClinVar contains an entry for this variant (Variation ID: 2111529). Advanced modeling of protein sequence and biophysical properties (such as structural, functional, and spatial information, amino acid conservation, physicochemical variation, residue mobility, and thermodynamic stability) performed at Invitae indicates that this missense variant is not expected to disrupt EP300 protein function. In summary, the available evidence is currently insufficient to determine the role of this variant in disease. Therefore, it has been classified as a Variant of Uncertain Significance.